The following is an entry in ClinVar:

ClinVar aggregate classification (germline): Conflicting classifications of pathogenicity. Review status: criteria provided, conflicting classifications (1 of 4 stars). 2 submissions from 2 submitters: Uncertain significance (1); Likely benign (1). Last evaluated 2025-04-21.

Conditions:
Hereditary cancer-predisposing syndrome. Also called: Tumor predisposition; Neoplastic Syndromes, Hereditary; Hereditary neoplastic syndrome; Hereditary Cancer Syndrome. Identifiers: Orphanet 140162, MedGen C0027672, MeSH D009386, MONDO:0015356.
Hereditary breast ovarian cancer syndrome. Also called: BRCA1- and BRCA2-Associated Hereditary Breast and Ovarian Cancer; Hereditary breast and/or ovarian cancer syndrome; Hereditary breast and ovarian cancer syndrome; Hereditary breast and ovarian cancer; Hereditary breast and ovarian cancer syndrome (HBOC); Breast and ovarian cancer. Identifiers: Orphanet 145, MedGen C0677776, MeSH D061325, MONDO:0003582. Disease mechanism: loss of function.

Submissions (2):

Labcorp Genetics (formerly Invitae), Labcorp
Classification: Uncertain significance for Hereditary breast ovarian cancer syndrome. Last evaluated: 2025-04-21. Review status: criteria provided, single submitter. Criteria: Invitae Variant Classification Sherloc (09022015). Collection method: clinical testing. Allele origin: germline.
Comment: This sequence change replaces arginine, which is basic and polar, with serine, which is neutral and polar, at codon 898 of the BRCA2 protein (p.Arg898Ser). This variant is not present in population databases (gnomAD no frequency). This variant has not been reported in the literature in individuals affected with BRCA2-related conditions. ClinVar contains an entry for this variant (Variation ID: 1017729). Invitae Evidence Modeling of protein sequence and biophysical properties (such as structural, functional, and spatial information, amino acid conservation, physicochemical variation, residue mobility, and thermodynamic stability) indicates that this missense variant is not expected to disrupt BRCA2 protein function with a negative predictive value of 95%. In summary, the available evidence is currently insufficient to determine the role of this variant in disease. Therefore, it has been classified as a Variant of Uncertain Significance.

University of Washington Department of Laboratory Medicine, University of Washington
Classification: Likely benign for Hereditary cancer-predisposing syndrome. Last evaluated: 2023-03-23. Review status: criteria provided, single submitter. Criteria: Dines et al. (Genet Med. 2020). Collection method: curation. Allele origin: germline.
Comment: Missense variant in a coldspot region where missense variants are very unlikely to be pathogenic (PMID:31911673).

BRCA2 exon 11 coldspot. Reclassification based on statistical prior probability.

NM_000059.4(BRCA2):c.2694G>T (p.Arg898Ser)

Gene: BRCA2 (BRCA2 DNA repair associated; plus strand). Cytogenetic location: 13q13.1.
Variant type: single nucleotide variant.
Coding change: c.2694G>T on transcript NM_000059.4 (MANE Select); coding-DNA position 2694, G replaced by T.
Protein change: p.Arg898Ser; replaces arginine 898 with serine.
Molecular consequence: missense variant.
Genome position (GRCh38, 1-based): chr13:32,337,049, G>T. VCF-style: chr13-32337049-G-T. GRCh37 (hg19) VCF-style: chr13-32911186-G-T.
Other names: short protein forms R898S.
Identifiers: ClinVar variation 1017729 (VCV001017729.10), dbSNP rs2072463067, ClinGen allele CA387773472.